The following is an entry in ClinVar:

ClinVar aggregate classification (germline): Uncertain significance. Review status: criteria provided, multiple submitters, no conflicts (2 of 4 stars). 3 submissions from 3 submitters: Uncertain significance (3). Last evaluated 2025-07-09.

Conditions:
Hereditary cancer-predisposing syndrome. Also called: Tumor predisposition; Hereditary Cancer Syndrome; Hereditary neoplastic syndrome; Neoplastic Syndromes, Hereditary. Identifiers: Orphanet 140162, MedGen C0027672, MeSH D009386, MONDO:0015356.
Neurofibromatosis, type 2 (SWNV). Also called: BILATERAL ACOUSTIC NEUROFIBROMATOSIS; SCHWANNOMATOSIS, VESTIBULAR; NF2-Related Schwannomatosis. Identifiers: Orphanet 637, MedGen C0027832, MONDO:0007039, OMIM 101000. Disease mechanism: loss of function.

Allele frequency attached by ClinVar (database versions not stated): gnomAD exomes below 0.00001; TOPMed below 0.00001; gnomAD 0.00002.
gnomAD v4.1: 8 of 1,613,990 alleles (0.0005%); highest among the groups gnomAD compares: Non-Finnish European, 0.00059%; no homozygotes.

Submissions (3):

Ambry Genetics
Classification: Uncertain significance for Hereditary cancer-predisposing syndrome. Last evaluated: 2025-07-09. Review status: criteria provided, single submitter. Criteria: Ambry Variant Classification Scheme 2023. Collection method: clinical testing. Allele origin: germline.
Comment: The p.R262Q variant (also known as c.785G>A), located in coding exon 8 of the NF2 gene, results from a G to A substitution at nucleotide position 785. The arginine at codon 262 is replaced by glutamine, an amino acid with highly similar properties. This amino acid position is highly conserved in available vertebrate species. In addition, this alteration is predicted to be deleterious by in silico analysis. Based on the available evidence, the clinical significance of this variant remains unclear.

Labcorp Genetics (formerly Invitae), Labcorp
Classification: Uncertain significance for Neurofibromatosis, type 2. Last evaluated: 2025-02-19. Review status: criteria provided, single submitter. Criteria: Invitae Variant Classification Sherloc (09022015). Collection method: clinical testing. Allele origin: germline.
Comment: This sequence change replaces arginine, which is basic and polar, with glutamine, which is neutral and polar, at codon 262 of the NF2 protein (p.Arg262Gln). This variant is present in population databases (no rsID available, gnomAD 0.002%). This variant has not been reported in the literature in individuals affected with NF2-related conditions. ClinVar contains an entry for this variant (Variation ID: 838908). Invitae Evidence Modeling of protein sequence and biophysical properties (such as structural, functional, and spatial information, amino acid conservation, physicochemical variation, residue mobility, and thermodynamic stability) indicates that this missense variant is not expected to disrupt NF2 protein function with a negative predictive value of 80%. In summary, the available evidence is currently insufficient to determine the role of this variant in disease. Therefore, it has been classified as a Variant of Uncertain Significance.

All of Us Research Program, National Institutes of Health
Classification: Uncertain significance for Neurofibromatosis, type 2. Last evaluated: 2024-05-14. Review status: criteria provided, single submitter. Criteria: ACMG Guidelines, 2015. Collection method: clinical testing. Allele origin: germline. Inheritance: Autosomal dominant inheritance. Observed: 1 variant allele, 1 heterozygote.
Comment: This missense variant replaces arginine with glutamine at codon 262 of the NF2 protein. Computational prediction suggests that this variant may have deleterious impact on protein structure and function. To our knowledge, functional studies have not been reported for this variant. This variant has not been reported in individuals affected with NF2-related disorders in the literature. This variant has been identified in 3/282812 chromosomes in the general population by the Genome Aggregation Database (gnomAD). The available evidence is insufficient to determine the role of this variant in disease conclusively. Therefore, this variant is classified as a Variant of Uncertain Significance.

This study involves interpretation of variants in research participants for the purpose of population health screening. Participant phenotype was not available at the time of variant classification. Additional details can be found in publication PMID: 35346344, PMCID: PMC8962531

NM_000268.4(NF2):c.785G>A (p.Arg262Gln)

Gene: NF2 (NF2, moesin-ezrin-radixin like (MERLIN) tumor suppressor; plus strand). Cytogenetic location: 22q12.2.
Variant type: single nucleotide variant.
Coding change: c.785G>A on transcript NM_000268.4 (MANE Select); coding-DNA position 785, G replaced by A.
Protein change: p.Arg262Gln; replaces arginine 262 with glutamine.
Molecular consequence: missense variant. On other transcripts: non-coding transcript variant (1), intron variant (1).
Genome position (GRCh38, 1-based): chr22:29,661,314, G>A. VCF-style: chr22-29661314-G-A. GRCh37 (hg19) VCF-style: chr22-30057303-G-A.
Other names: c.785G>A, p.Arg262Gln (NM_016418.5, NM_181825.3, NM_181832.3); c.659G>A, p.Arg220Gln (NM_181828.3); c.662G>A, p.Arg221Gln (NM_181829.3); c.536G>A, p.Arg179Gln (NM_181830.3, NM_181831.3); c.447+19029G>A (NM_181833.3); short protein forms R220Q, R221Q, R262Q, R179Q.
Identifiers: ClinVar variation 838908 (VCV000838908.14), dbSNP rs1450914413, ClinGen allele CA411144093.